The following is an entry in ClinVar:

NM_001128840.3(CACNA1D):c.1030A>G (p.Ile344Val)

Gene: CACNA1D (calcium voltage-gated channel subunit alpha1 D; plus strand). Cytogenetic location: 3p21.1.
Variant type: single nucleotide variant.
Coding change: c.1030A>G on transcript NM_001128840.3 (MANE Select); coding-DNA position 1030, A replaced by G.
Protein change: p.Ile344Val; replaces isoleucine 344 with valine.
Molecular consequence: missense variant.
Genome position (GRCh38, 1-based): chr3:53,666,449, A>G. VCF-style: chr3-53666449-A-G. GRCh37 (hg19) VCF-style: chr3-53700476-A-G.
Other names: c.1030A>G, p.Ile344Val (NM_000720.4, NM_001128839.3); short protein forms I344V.
Identifiers: ClinVar variation 1413991 (VCV001413991.6), dbSNP rs959324592, ClinGen allele CA75072360.

ClinVar aggregate classification (germline): Uncertain significance (1 of 4 stars; one submission).

Allele frequency attached by ClinVar (database versions not stated): gnomAD exomes below 0.00001 and 0.00001; TOPMed 0.00001.
gnomAD v4.1: 2 of 1,614,220 alleles (0.00012%); highest among the groups gnomAD compares: Admixed American, 0.0033%; no homozygotes.

Submission:

Labcorp Genetics (formerly Invitae), Labcorp
Classification: Uncertain significance. Last evaluated: 2024-06-25. Review status: criteria provided, single submitter. Criteria: Invitae Variant Classification Sherloc (09022015). Collection method: clinical testing. Allele origin: germline.
Comment: This sequence change replaces isoleucine, which is neutral and non-polar, with valine, which is neutral and non-polar, at codon 344 of the CACNA1D protein (p.Ile344Val). This variant is present in population databases (no rsID available, gnomAD 0.006%). This variant has not been reported in the literature in individuals affected with CACNA1D-related conditions. ClinVar contains an entry for this variant (Variation ID: 1413991). Advanced modeling of protein sequence and biophysical properties (such as structural, functional, and spatial information, amino acid conservation, physicochemical variation, residue mobility, and thermodynamic stability) performed at Invitae indicates that this missense variant is expected to disrupt CACNA1D protein function with a positive predictive value of 80%. In summary, the available evidence is currently insufficient to determine the role of this variant in disease. Therefore, it has been classified as a Variant of Uncertain Significance.